The following is an entry in ClinVar:

NM_018051.5(DYNC2I1):c.1647dup (p.Glu550fs)

Gene: DYNC2I1 (dynein 2 intermediate chain 1; plus strand). Cytogenetic location: 7q36.3.
Variant type: Duplication.
Coding change: c.1647dup on transcript NM_018051.5 (MANE Select); coding-DNA position 1647, one base duplicated (A; older notation c.1647dupA).
Protein change: p.Glu550fs; shifts the reading frame from glutamic acid 550.
Molecular consequence: frameshift variant.
Genome position (GRCh38, 1-based): chr7:158,913,041, A duplicated. VCF-style (leftmost placement, unchanged base first): chr7-158913040-T-TA. GRCh37 (hg19) VCF-style: chr7-158705731-T-TA.
Other names: c.1509dup, p.Glu504fs (NM_001350914.2); c.1074dup, p.Glu359fs (NM_001350915.2); c.186dup, p.Glu63fs (NM_001350916.2); c.399dup, p.Glu134fs (NM_001350917.2, NM_001350918.2); short protein forms E550fs, E63fs, E359fs, E504fs, E134fs.
Identifiers: ClinVar variation 4723080 (VCV004723080.1).

ClinVar aggregate classification (germline): Pathogenic (1 of 4 stars; one submission).

Conditions:
Short-rib thoracic dysplasia 8 with or without polydactyly (SRTD8). Also called: SHORT-RIB THORACIC DYSPLASIA 8 WITH POLYDACTYLY. Identifiers: Orphanet 93271, MedGen C3809691, MONDO:0014214, OMIM 615503.

Submission:

Labcorp Genetics (formerly Invitae), Labcorp
Classification: Pathogenic for Short-rib thoracic dysplasia 8 with or without polydactyly. Last evaluated: 2025-07-13. Review status: criteria provided, single submitter. Criteria: Invitae Variant Classification Sherloc (09022015). Collection method: clinical testing. Allele origin: germline.
Comment: This sequence change creates a premature translational stop signal (p.Glu550Argfs*21) in the WDR60 gene. It is expected to result in an absent or disrupted protein product. Loss-of-function variants in WDR60 are known to be pathogenic (PMID: 9068549, 23910462). This variant is present in population databases (no rsID available, gnomAD 0.003%). This variant has not been reported in the literature in individuals affected with WDR60-related conditions. For these reasons, this variant has been classified as Pathogenic.

Literature cited by the submitters: PubMed 9068549; PubMed 23910462.